The following is an entry in ClinVar:

ClinVar aggregate classification (germline): Uncertain significance (1 of 4 stars; one submission).

Conditions:
Primary ciliary dyskinesia. Also called: Ciliary dyskinesia. Identifiers: Orphanet 244, MedGen C0008780, MONDO:0016575, HP:0012265.

Submission:

Ambry Genetics
Classification: Uncertain significance for Primary ciliary dyskinesia. Last evaluated: 2019-03-10. Review status: criteria provided, single submitter. Criteria: Ambry Variant Classification Scheme 2023. Collection method: clinical testing. Allele origin: germline.
Comment: The p.I410T variant (also known as c.1229T>C), located in coding exon 13 of the DNAI1 gene, results from a T to C substitution at nucleotide position 1229. The isoleucine at codon 410 is replaced by threonine, an amino acid with similar properties. This amino acid position is not well conserved in available vertebrate species. In addition, this alteration is predicted to be deleterious by in silico analysis. Since supporting evidence is limited at this time, the clinical significance of this alteration remains unclear.

NM_012144.4(DNAI1):c.1229T>C (p.Ile410Thr)

Gene: DNAI1 (dynein axonemal intermediate chain 1; plus strand). Cytogenetic location: 9p13.3.
Variant type: single nucleotide variant.
Coding change: c.1229T>C on transcript NM_012144.4 (MANE Select); coding-DNA position 1229, T replaced by C.
Protein change: p.Ile410Thr; replaces isoleucine 410 with threonine.
Molecular consequence: missense variant.
Genome position (GRCh38, 1-based): chr9:34,506,792, T>C. VCF-style: chr9-34506792-T-C. GRCh37 (hg19) VCF-style: chr9-34506790-T-C.
Other names: c.1241T>C, p.Ile414Thr (NM_001281428.2); short protein forms I414T, I410T.
Identifiers: ClinVar variation 1755056 (VCV001755056.2), dbSNP rs2492095956, ClinGen allele CA373257208.
Genomic context (GRCh38, chr9:34,506,792, plus strand): 5'-ACATCCACGTGGACCACCCCTACCTGGTGGCAGTAGGCCACTATGACGGCAACGTGGCCA[T>C]TTACAACCTCAAGAAGCCCCACTCCCAGCCCTCCTTCTGCAGCTCAGCCAAGTCTGGCAA-3'
Protein context (NP_036276.1, residues 400-420): AVGHYDGNVA[Ile410Thr]YNLKKPHSQP